The following is an entry in ClinVar:

NM_145059.3(FCSK):c.3038C>T (p.Ala1013Val)

Gene: FCSK (fucose kinase; plus strand). Cytogenetic location: 16q22.1.
Variant type: single nucleotide variant.
Coding change: c.3038C>T on transcript NM_145059.3 (MANE Select); coding-DNA position 3038, C replaced by T.
Protein change: p.Ala1013Val; replaces alanine 1013 with valine.
Molecular consequence: missense variant.
Genome position (GRCh38, 1-based): chr16:70,479,288, C>T. VCF-style: chr16-70479288-C-T. GRCh37 (hg19) VCF-style: chr16-70513191-C-T.
Other names: short protein forms A1013V.
Identifiers: ClinVar variation 1933521 (VCV001933521.5), dbSNP rs750666249, ClinGen allele CA8143855.

ClinVar aggregate classification (germline): Uncertain significance (1 of 4 stars; one submission).

Allele frequency attached by ClinVar (database versions not stated): gnomAD 0.00001; ExAC 0.00002.
gnomAD v4.1: 6 of 1,613,772 alleles (0.00037%); highest among the groups gnomAD compares: Admixed American, 0.0067%; no homozygotes.

Submission:

Labcorp Genetics (formerly Invitae), Labcorp
Classification: Uncertain significance. Last evaluated: 2024-10-16. Review status: criteria provided, single submitter. Criteria: Invitae Variant Classification Sherloc (09022015). Collection method: clinical testing. Allele origin: germline.
Comment: This sequence change replaces alanine, which is neutral and non-polar, with valine, which is neutral and non-polar, at codon 1013 of the FUK protein (p.Ala1013Val). This variant is present in population databases (rs750666249, gnomAD 0.006%). This variant has not been reported in the literature in individuals affected with FUK-related conditions. ClinVar contains an entry for this variant (Variation ID: 1933521). An algorithm developed to predict the effect of missense changes on protein structure and function (PolyPhen-2) suggests that this variant is likely to be tolerated. In summary, the available evidence is currently insufficient to determine the role of this variant in disease. Therefore, it has been classified as a Variant of Uncertain Significance.